The following is an entry in ClinVar:

ClinVar aggregate classification (germline): Uncertain significance (1 of 4 stars; one submission).

Conditions:
Symmetrical dyschromatosis of extremities (DSH). Also called: RETICULATE ACROPIGMENTATION OF DOHI; SYMMETRIC DYSCHROMATOSIS OF THE EXTREMITIES; DYSCHROMATOSIS SYMMETRICA HEREDITARIA 1; Dyschromatosis symmetrica hereditaria. Identifiers: Orphanet 41, MedGen C0406775, MONDO:0007483, OMIM 127400.
Aicardi-Goutieres syndrome 6 (AGS6). Identifiers: Orphanet 51, MedGen C3539013, MONDO:0014007, OMIM 615010.

Allele frequency attached by ClinVar (database versions not stated): gnomAD exomes below 0.00001; ExAC 0.00001.
gnomAD v4.1: 1 of 1,610,440 alleles (0.000062%); highest among the groups gnomAD compares: Non-Finnish European, 0.000085%; no homozygotes.

Submission:

Labcorp Genetics (formerly Invitae), Labcorp
Classification: Uncertain significance for Aicardi-Goutieres syndrome 6; Symmetrical dyschromatosis of extremities. Last evaluated: 2025-03-18. Review status: criteria provided, single submitter. Criteria: Invitae Variant Classification Sherloc (09022015). Collection method: clinical testing. Allele origin: germline.
Comment: This sequence change replaces proline, which is neutral and non-polar, with serine, which is neutral and polar, at codon 830 of the ADAR protein (p.Pro830Ser). This variant is present in population databases (rs774019390, gnomAD 0.0009%). This variant has not been reported in the literature in individuals affected with ADAR-related conditions. ClinVar contains an entry for this variant (Variation ID: 2940992). Invitae Evidence Modeling of protein sequence and biophysical properties (such as structural, functional, and spatial information, amino acid conservation, physicochemical variation, residue mobility, and thermodynamic stability) indicates that this missense variant is not expected to disrupt ADAR protein function with a negative predictive value of 80%. In summary, the available evidence is currently insufficient to determine the role of this variant in disease. Therefore, it has been classified as a Variant of Uncertain Significance.

NM_001111.5(ADAR):c.2488C>T (p.Pro830Ser)

Gene: ADAR (adenosine deaminase RNA specific; minus strand). Cytogenetic location: 1q21.3.
Variant type: single nucleotide variant.
Coding change: c.2488C>T on transcript NM_001111.5 (MANE Select); coding-DNA position 2488, C replaced by T.
Protein change: p.Pro830Ser; replaces proline 830 with serine.
Molecular consequence: missense variant. On other transcripts: intron variant (3).
Genome position (GRCh38, 1-based): chr1:154,590,192, G>A on the plus strand (C>T on the coding strand, the complement: ADAR is on the minus strand). VCF-style: chr1-154590192-G-A. GRCh37 (hg19) VCF-style: chr1-154562668-G-A.
Other names: c.1603C>T, p.Pro535Ser (NM_001025107.3, NM_001193495.2, NM_001365046.1 and 2 more transcripts); c.2515C>T, p.Pro839Ser (NM_001365045.1); c.1533+70C>T (NM_001365049.1); c.2361+70C>T (NM_015841.4); c.2418+70C>T (NM_015840.4); short protein forms P839S, P830S, P535S.
Identifiers: ClinVar variation 2940992 (VCV002940992.3), dbSNP rs774019390, ClinGen allele CA1131289.